The following is an entry in ClinVar:

NM_025137.4(SPG11):c.6021del (p.Tyr2008fs)

Gene: SPG11 (SPG11 vesicle trafficking associated, spatacsin; minus strand). Cytogenetic location: 15q21.1.
Variant type: Deletion.
Coding change: c.6021del on transcript NM_025137.4 (MANE Select); coding-DNA position 6021, one base deleted (C; older notation c.6021delC).
Protein change: p.Tyr2008fs; shifts the reading frame from tyrosine 2008.
Molecular consequence: frameshift variant. On other transcripts: intron variant (1).
Genome position (GRCh38, 1-based): chr15:44,573,731, G deleted on the plus strand (C on the coding strand, the reverse complement: SPG11 is on the minus strand); the first of 2 consecutive G bases (chr15:44,573,731-44,573,732); deleting either gives the same sequence. VCF-style (leftmost placement, unchanged base first): chr15-44573730-AG-A. GRCh37 (hg19) VCF-style: chr15-44865928-AG-A.
Other names: c.5867-911del (NM_001160227.2); short protein forms Y2008fs.
Identifiers: ClinVar variation 316085 (VCV000316085.13), dbSNP rs886051179, ClinGen allele CA10641937.
Genomic context (GRCh38, chr15:44,573,730, plus strand): 5'-GCTGAGAGGCCAAGATTTTCCGGAGCATGGCTTCACCATCCTGAGCAGCAACATCTGTGT[AG>A]GAACAGCCCAACTCCTGAGAGGAAGACAAAGCCAGTCAAGGCCACTTTTAGAAGCCAGGA-3'

ClinVar aggregate classification (germline): Pathogenic. Review status: criteria provided, single submitter (1 of 4 stars). 2 submissions from 2 submitters: Pathogenic (1). 1 of the submissions does not count toward it. Last evaluated 2020-10-16.

Conditions:
SPG11-related disorder. Also called: SPG11-related condition.
Hereditary spastic paraplegia 11. Also called: SPASTIC PARAPLEGIA, AUTOSOMAL RECESSIVE, COMPLICATED, WITH THIN CORPUS CALLOSUM; SPASTIC PARAPLEGIA, AUTOSOMAL RECESSIVE, WITH MENTAL IMPAIRMENT AND THIN CORPUS CALLOSUM; Nakamura Osame syndrome; Autosomal recessive hereditary spastic paraplegia, mental impairment, and thin corpus callosum; Spastic paraplegia, mental retardation and thin corpus callosum; Spastic Paraplegia 11. Identifiers: Orphanet 2822, MedGen C1858479, MONDO:0011445, OMIM 604360.

Submissions (2):

Labcorp Genetics (formerly Invitae), Labcorp
Classification: Pathogenic for Hereditary spastic paraplegia 11. Last evaluated: 2020-10-16. Review status: criteria provided, single submitter. Criteria: Invitae Variant Classification Sherloc (09022015). Collection method: clinical testing. Allele origin: germline.
Comment: For these reasons, this variant has been classified as Pathogenic. This variant has not been reported in the literature in individuals with SPG11-related conditions. ClinVar contains an entry for this variant (Variation ID: 316085). This variant is not present in population databases (ExAC no frequency). This sequence change creates a premature translational stop signal (p.Tyr2008Thrfs*50) in the SPG11 gene. It is expected to result in an absent or disrupted protein product. Loss-of-function variants in SPG11 are known to be pathogenic (PMID: 19105190, 20110243, 22154821).

PreventionGenetics, part of Exact Sciences
Classification: Likely pathogenic for SPG11-related condition. Last evaluated: 2024-04-23. Review status: no assertion criteria provided. Collection method: clinical testing. Allele origin: germline. Not counted in ClinVar's aggregate classification.
Comment: The SPG11 c.6021delC variant is predicted to result in a frameshift and premature protein termination (p.Ser2007Serfs*51). To our knowledge, this variant has not been reported in the literature or in a large population database, indicating this variant is rare. Frameshift variants in SPG11 are expected to be pathogenic. This variant is interpreted as likely pathogenic.

Literature cited by the submitters: PubMed 19105190 (cited by Labcorp Genetics (formerly Invitae), Labcorp); PubMed 20110243 (cited by Labcorp Genetics (formerly Invitae), Labcorp); PubMed 22154821 (cited by Labcorp Genetics (formerly Invitae), Labcorp).